The following is an entry in ClinVar:

ClinVar aggregate classification (germline): Uncertain significance. Review status: criteria provided, multiple submitters, no conflicts (2 of 4 stars). 3 submissions from 3 submitters: Uncertain significance (3). Last evaluated 2025-11-26.

Conditions:
Inborn genetic diseases. Identifiers: MedGen C0950123, MeSH D030342.
Hereditary spherocytosis type 2. Also called: SPHEROCYTOSIS, TYPE 2, AUTOSOMAL DOMINANT. Identifiers: Orphanet 822, MedGen C2674219, MONDO:0000913, OMIM 616649.

Allele frequency attached by ClinVar (database versions not stated): ExAC 0.00004; 1000 Genomes Project 30x 0.00016; 1000 Genomes Project 0.00020.
gnomAD v4.1: 29 of 1,610,462 alleles (0.0018%); highest among the groups gnomAD compares: East Asian, 0.025%; no homozygotes.

Submissions (3):

Ambry Genetics
Classification: Uncertain significance for Inborn genetic diseases. Last evaluated: 2025-11-26. Review status: criteria provided, single submitter. Criteria: Ambry Variant Classification Scheme 2023. Collection method: clinical testing. Allele origin: germline.

Revvity Omics, Revvity
Classification: Uncertain significance. Last evaluated: 2024-09-27. Review status: criteria provided, single submitter. Criteria: ACMG Guidelines, 2015. Collection method: clinical testing. Allele origin: germline.

Neuberg Centre For Genomic Medicine, NCGM
Classification: Uncertain significance for Hereditary spherocytosis type 2. Review status: criteria provided, single submitter. Criteria: ACMG Guidelines, 2015. Collection method: clinical testing. Allele origin: germline. Inheritance: Autosomal dominant inheritance. Affected: yes.
Comment: The missense variant c.6925G>Ap.Asp2309Asn in SPTB gene has not been reported previously as a pathogenic variant nor as a benign variant, to our knowledge. The variant is reported with 0.004% allele frequency in gnomAD Exomes and is novel not in any individuals in 1000 Genomes. The amino acid Aspartic acid at position 2309 is changed to a Asparagine changing protein sequence and it might alter its composition and physico-chemical properties.The amino acid change p.Asp2309Asn in SPTB is predicted as conserved by GERP++ and PhyloP across 100 vertebrates. For these reasons, this variant has been classified as Uncertain Significance.

NM_001355436.2(SPTB):c.6925G>A (p.Asp2309Asn)

Genes: SPTB (spectrin beta, erythrocytic; minus strand), PLEKHG3 (pleckstrin homology and RhoGEF domain containing G3; plus strand). Cytogenetic location: 14q23.3.
Variant type: single nucleotide variant.
Coding change: c.6925G>A on transcript NM_001355436.2 (MANE Select); coding-DNA position 6925, G replaced by A.
Protein change: p.Asp2309Asn; replaces aspartic acid 2309 with asparagine.
Molecular consequence: missense variant. On other transcripts: 3 prime UTR variant (1).
Genome position (GRCh38, 1-based): chr14:64,749,368, C>T on the plus strand (G>A on the coding strand, the complement: SPTB is on the minus strand). VCF-style: chr14-64749368-C-T. GRCh37 (hg19) VCF-style: chr14-65216086-C-T.
Other names: c.*5665C>T (NM_001308147.2); c.6925G>A, p.Asp2309Asn (NM_001024858.4); short protein forms D2309N.
Identifiers: ClinVar variation 3169525 (VCV003169525.4), dbSNP rs570395215, ClinGen allele CA7229325.